The following is an entry in ClinVar:

ClinVar aggregate classification (germline): Likely pathogenic (1 of 4 stars; one submission).

Conditions:
Hyper-IgM syndrome type 1. Also called: Hyper-IgM Immunodeficiency Syndrome, Type 1; CD40 Ligand Deficiency; X-linked hyper-IgM syndrome; Immunodeficiency, X-linked, with hyper-IgM. Identifiers: Orphanet 101088, MedGen C0398689, MONDO:0010626, OMIM 308230.

Submission:

Laboratorio de Genetica e Diagnostico Molecular, Hospital Israelita Albert Einstein
Classification: Likely pathogenic for Hyper-IgM syndrome type 1. Last evaluated: 2022-10-28. Review status: criteria provided, single submitter. Criteria: ACMG Guidelines, 2015. Collection method: clinical testing. Allele origin: germline. Affected: yes. Observed: 1 variant allele.
Comment: ACMG classification criteria: PS1 strong, PS4 supporting, PM2 moderated, PP3 supporting

NM_000074.3(CD40LG):c.687T>A (p.Phe229Leu)

Gene: CD40LG (CD40 ligand; plus strand). Cytogenetic location: Xq26.3.
Variant type: single nucleotide variant.
Coding change: c.687T>A on transcript NM_000074.3 (MANE Select); coding-DNA position 687, T replaced by A.
Protein change: p.Phe229Leu; replaces phenylalanine 229 with leucine.
Molecular consequence: missense variant.
Genome position (GRCh38, 1-based): chrX:136,659,316, T>A. VCF-style: chrX-136659316-T-A. GRCh37 (hg19) VCF-style: chrX-135741475-T-A.
Other names: short protein forms F229L.
Identifiers: ClinVar variation 2431549 (VCV002431549.1), dbSNP rs2148553785, ClinGen allele CA414756532.